The following is an entry in ClinVar:

ClinVar aggregate classification (germline): Uncertain significance (1 of 4 stars; one submission).

Allele frequency attached by ClinVar (database versions not stated): gnomAD exomes below 0.00001; TOPMed 0.00002.
gnomAD v4.1: 5 of 1,611,950 alleles (0.00031%); highest among the groups gnomAD compares: African/African-American, 0.004%; no homozygotes.

Submission:

Labcorp Genetics (formerly Invitae), Labcorp
Classification: Uncertain significance. Last evaluated: 2024-10-30. Review status: criteria provided, single submitter. Criteria: Invitae Variant Classification Sherloc (09022015). Collection method: clinical testing. Allele origin: germline.
Comment: This sequence change replaces glycine, which is neutral and non-polar, with glutamic acid, which is acidic and polar, at codon 226 of the MYLK3 protein (p.Gly226Glu). This variant is present in population databases (no rsID available, gnomAD 0.007%). This variant has not been reported in the literature in individuals affected with MYLK3-related conditions. ClinVar contains an entry for this variant (Variation ID: 2775942). An algorithm developed to predict the effect of missense changes on protein structure and function outputs the following: PolyPhen-2: "Benign". The glutamic acid amino acid residue is found in multiple mammalian species, which suggests that this missense change does not adversely affect protein function. In summary, the available evidence is currently insufficient to determine the role of this variant in disease. Therefore, it has been classified as a Variant of Uncertain Significance.

NM_182493.3(MYLK3):c.677G>A (p.Gly226Glu)

Gene: MYLK3 (myosin light chain kinase 3; minus strand). Cytogenetic location: 16q11.2.
Variant type: single nucleotide variant.
Coding change: c.677G>A on transcript NM_182493.3 (MANE Select); coding-DNA position 677, G replaced by A.
Protein change: p.Gly226Glu; replaces glycine 226 with glutamic acid.
Molecular consequence: missense variant. On other transcripts: intron variant (1).
Genome position (GRCh38, 1-based): chr16:46,738,035, C>T on the plus strand (G>A on the coding strand, the complement: MYLK3 is on the minus strand). VCF-style: chr16-46738035-C-T. GRCh37 (hg19) VCF-style: chr16-46771947-C-T.
Other names: c.-23+2022G>A (NM_001308301.1); short protein forms G226E.
Identifiers: ClinVar variation 2775942 (VCV002775942.3), dbSNP rs1429183311, ClinGen allele CA395794446.
Genomic context (GRCh38, chr16:46,738,035, plus strand): 5'-ACCTTTGTGGGCAGGGGCAGGTGGCCAGGGAATGCCTGGGCTGGGCCAGGAACACCATCT[C>T]CCTGGCCCGGTGAGACCACTGCCTGGGCGGGGTCAGCTCCCAGCCCTGACGCTCTGATGG-3'
Protein context (NP_872299.2, residues 216-236): PAQAVVSPGQ[Gly226Glu]DGVPGPAQAF